The following is an entry in ClinVar:

NM_000535.7(PMS2):c.1415A>C (p.Lys472Thr)

Gene: PMS2 (PMS1 homolog 2, mismatch repair system component; minus strand). Cytogenetic location: 7p22.1.
Variant type: single nucleotide variant.
Coding change: c.1415A>C on transcript NM_000535.7 (MANE Select); coding-DNA position 1415, A replaced by C.
Protein change: p.Lys472Thr; replaces lysine 472 with threonine.
Molecular consequence: missense variant. On other transcripts: non-coding transcript variant (1), intron variant (1).
Genome position (GRCh38, 1-based): chr7:5,987,350, T>G on the plus strand (A>C on the coding strand, the complement: PMS2 is on the minus strand). VCF-style: chr7-5987350-T-G. GRCh37 (hg19) VCF-style: chr7-6026981-T-G.
Other names: c.1307A>C, p.Lys436Thr (NM_001406869.1); c.1259A>C, p.Lys420Thr (NM_001406870.1, NM_001322006.2); c.1415A>C, p.Lys472Thr (NM_001406871.1, NM_001406872.1, NM_001322014.2); c.1217A>C, p.Lys406Thr (NM_001406873.1); c.1247A>C, p.Lys416Thr (NM_001406874.1); c.1106A>C, p.Lys369Thr (NM_001406875.1, NM_001406877.1, NM_001322015.2 and 5 more transcripts); c.1097A>C, p.Lys366Thr (NM_001406876.1, NM_001322007.2, NM_001322008.2 and 2 more transcripts); c.1010A>C, p.Lys337Thr (NM_001322003.2, NM_001322004.2, NM_001322005.2 and 16 more transcripts); and 13 more; short protein forms K161T, K281T, K314T, K350T, K360T, K364T, K406T, K534T.
Identifiers: ClinVar variation 4826892 (VCV004826892.1).

ClinVar aggregate classification (germline): Uncertain significance (1 of 4 stars; one submission).

Conditions:
Hereditary cancer-predisposing syndrome. Also called: Neoplastic Syndromes, Hereditary; Tumor predisposition; Hereditary Cancer Syndrome; Hereditary neoplastic syndrome. Identifiers: Orphanet 140162, MedGen C0027672, MeSH D009386, MONDO:0015356.

Submission:

Ambry Genetics
Classification: Uncertain significance for Hereditary cancer-predisposing syndrome. Last evaluated: 2026-02-24. Review status: criteria provided, single submitter. Criteria: Ambry Variant Classification Scheme 2023. Collection method: clinical testing. Allele origin: germline.
Comment: The p.K472T variant (also known as c.1415A>C), located in coding exon 11 of the PMS2 gene, results from an A to C substitution at nucleotide position 1415. The lysine at codon 472 is replaced by threonine, an amino acid with similar properties. This amino acid position is conserved. In addition, this alteration is predicted to be tolerated by in silico analysis. Based on the available evidence, the clinical significance of this variant remains unclear.